The following is an entry in ClinVar:

ClinVar aggregate classification (germline): Likely benign (1 of 4 stars; one submission).

Conditions:
Hereditary breast ovarian cancer syndrome. Also called: Hereditary breast and ovarian cancer; Hereditary breast and ovarian cancer syndrome (HBOC); Breast and ovarian cancer; Hereditary breast and/or ovarian cancer syndrome; BRCA1- and BRCA2-Associated Hereditary Breast and Ovarian Cancer; Hereditary breast and ovarian cancer syndrome. Identifiers: Orphanet 145, MedGen C0677776, MeSH D061325, MONDO:0003582. Disease mechanism: loss of function.

Submissions (2):

Labcorp Genetics (formerly Invitae), Labcorp
Classification: Likely benign for Hereditary breast ovarian cancer syndrome. Last evaluated: 2026-01-20. Review status: criteria provided, single submitter. Criteria: Invitae Variant Classification Sherloc (09022015). Collection method: clinical testing. Allele origin: germline.

Brotman Baty Institute, University of Washington
No classification provided (evidence only). Condition: Breast-ovarian cancer, familial 1. Review status: no classification provided. Collection method: in vitro. Allele origin: not applicable. Functional consequence: functionally_normal. Not counted in ClinVar's aggregate classification.
ClinVar note: "not provided" was previously submitted as the classification for the variant. However, the classification appeared to be based only on an observation of functional data so it was converted to no classification on 2025-07-30.

NM_007294.4(BRCA1):c.81-8C>A

Gene: BRCA1 (BRCA1 DNA repair associated; minus strand). Cytogenetic location: 17q21.31.
Variant type: single nucleotide variant.
Coding change: c.81-8C>A on transcript NM_007294.4 (MANE Select); 8 bases into the intron before coding-DNA position 81, C replaced by A.
Molecular consequence: intron variant.
Genome position (GRCh38, 1-based): chr17:43,115,787, G>T on the plus strand (C>A on the coding strand, the complement: BRCA1 is on the minus strand). VCF-style: chr17-43115787-G-T. GRCh37 (hg19) VCF-style: chr17-41267804-G-T.
Other names: c.-61-8C>A (NM_001408458.1, NM_001408470.1, NM_001407848.1 and 47 more transcripts); c.-219+9490C>A (NM_001407967.1); c.-170+9490C>A (NM_001407959.1); c.-7-9254C>A (NM_001407931.1, NM_001407747.1, NM_001408511.1 and 2 more transcripts); c.-223-8C>A (NM_001407962.1, NM_001408512.1, NM_001408510.1 and 1 more transcripts); c.-108-8C>A (NM_001407885.1, NM_001407886.1, NM_001408509.1 and 52 more transcripts); c.-177-8C>A (NM_001407746.1, NM_001408468.1, NM_001407842.1 and 13 more transcripts); c.-8+8230C>A (NM_001408461.1, NM_001407738.1, NM_001407932.1 and 23 more transcripts); and 10 more.
Identifiers: ClinVar variation 867770 (VCV000867770.4), dbSNP rs2055266073, ClinGen allele CA916081039.